The following is an entry in ClinVar:

NM_006231.4(POLE):c.2560G>C (p.Gly854Arg)

Gene: POLE (DNA polymerase epsilon, catalytic subunit; minus strand). Cytogenetic location: 12q24.33.
Variant type: single nucleotide variant.
Coding change: c.2560G>C on transcript NM_006231.4 (MANE Select); coding-DNA position 2560, G replaced by C.
Protein change: p.Gly854Arg; replaces glycine 854 with arginine.
Molecular consequence: missense variant.
Genome position (GRCh38, 1-based): chr12:132,664,371, C>G on the plus strand (G>C on the coding strand, the complement: POLE is on the minus strand). VCF-style: chr12-132664371-C-G. GRCh37 (hg19) VCF-style: chr12-133240957-C-G.
Other names: short protein forms G854R.
Identifiers: ClinVar variation 2710928 (VCV002710928.3), dbSNP rs200179156, ClinGen allele CA387396112.

ClinVar aggregate classification (germline): Uncertain significance (1 of 4 stars; one submission).

Submission:

Labcorp Genetics (formerly Invitae), Labcorp
Classification: Uncertain significance. Last evaluated: 2024-01-24. Review status: criteria provided, single submitter. Criteria: Invitae Variant Classification Sherloc (09022015). Collection method: clinical testing. Allele origin: germline.
Comment: This sequence change replaces glycine, which is neutral and non-polar, with arginine, which is basic and polar, at codon 854 of the POLE protein (p.Gly854Arg). This variant is not present in population databases (gnomAD no frequency). This variant has not been reported in the literature in individuals affected with POLE-related conditions. An algorithm developed to predict the effect of missense changes on protein structure and function (PolyPhen-2) suggests that this variant is likely to be disruptive. In summary, the available evidence is currently insufficient to determine the role of this variant in disease. Therefore, it has been classified as a Variant of Uncertain Significance.